The following is an entry in ClinVar:

ClinVar aggregate classification (germline): Pathogenic. Review status: criteria provided, multiple submitters, no conflicts (2 of 4 stars). 5 submissions from 5 submitters: Pathogenic (4). 1 of the submissions does not count toward it. Last evaluated 2025-12-31.

Conditions:
Glycogen storage disease type III (GSD3). Also called: Cori disease; FORBES DISEASE. Identifiers: Orphanet 366, MedGen C0017922, MONDO:0009291, OMIM 232400.
Glycogen storage disease. Also called: Disorder of glycogen metabolism; glycogen storage disorder. Identifiers: Orphanet 79201, MedGen C0017919, MONDO:0002412.

Allele frequency attached by ClinVar (database versions not stated): TOPMed below 0.00001; ExAC 0.00001; gnomAD 0.00001; gnomAD exomes 0.00001; ESP Exome Variant Server 0.00008.

Submissions (5):

Labcorp Genetics (formerly Invitae), Labcorp
Classification: Pathogenic for Glycogen storage disease type III. Last evaluated: 2025-12-31. Review status: criteria provided, single submitter. Criteria: Invitae Variant Classification Sherloc (09022015). Collection method: clinical testing. Allele origin: germline.
Comment: This sequence change creates a premature translational stop signal (p.Thr1185Lysfs*42) in the AGL gene. It is expected to result in an absent or disrupted protein product. Loss-of-function variants in AGL are known to be pathogenic (PMID: 19299494). This variant is not present in population databases (gnomAD no frequency). This premature translational stop signal has been observed in individual(s) with AGL-related conditions (PMID: 20648714). ClinVar contains an entry for this variant (Variation ID: 370894). Algorithms developed to predict the effect of sequence changes on RNA splicing suggest that this variant may disrupt the consensus splice site. For these reasons, this variant has been classified as Pathogenic.

Genetics Laboratory, Great Ormond Street Hospital NHS Foundation Trust, North Thames Genomic Laboratory Hub
Classification: Pathogenic for Glycogen storage disease. Last evaluated: 2025-10-21. Review status: criteria provided, single submitter. Criteria: ACGS Best Practice Guidelines for Variant Classification in Rare Disease 2024 v1.2. Collection method: clinical testing. Allele origin: germline. Affected: yes.
Comment: PM2_moderate, PVS1_very-strong, PM3_supporting, PP4_supporting

Women's Health and Genetics/Laboratory Corporation of America, LabCorp
Classification: Pathogenic for Glycogen storage disease type III. Last evaluated: 2022-04-06. Review status: criteria provided, single submitter. Criteria: LabCorp Variant Classification Summary - May 2015. Collection method: clinical testing. Allele origin: germline.
Comment: Variant summary: AGL c.3554delC (p.Thr1185LysfsX42) results in a premature termination codon, predicted to cause a truncation of the encoded protein or absence of the protein due to nonsense mediated decay, which are commonly known mechanisms for disease. Truncations downstream of this position have been classified as pathogenic by our laboratory. The variant was absent in 251464 control chromosomes (gnomAD). c.3554delC has been reported in the literature in individuals affected with Glycogen Storage Disease Type III (Goldstein_2010, Sentner_2016, Decostre_2016), including one verified occurrence in trans with a pathogenic nonsense variant (Decostre_2016). These data indicate that the variant is likely to be associated with disease. To our knowledge, no experimental evidence demonstrating an impact on protein function has been reported. Three ClinVar submitters have assessed the variant since 2014: one classified the variant as likely pathogenic and two as pathogenic. Based on the evidence outlined above, the variant was classified as pathogenic.

Genome-Nilou Lab
Classification: Pathogenic for Glycogen storage disease type III. Last evaluated: 2021-07-15. Review status: criteria provided, single submitter. Criteria: ACMG Guidelines, 2015. Collection method: clinical testing. Allele origin: germline. Affected: no.

Counsyl
Classification: Likely pathogenic for Glycogen storage disease type III. Last evaluated: 2016-05-11. Review status: no assertion criteria provided. Collection method: clinical testing. Allele origin: unknown. Not counted in ClinVar's aggregate classification.

Literature cited by the submitters: PubMed 19299494 (cited by Labcorp Genetics (formerly Invitae), Labcorp); PubMed 20648714 (cited by 3 submitters); PubMed 27460348 (cited by Women's Health and Genetics/Laboratory Corporation of America, LabCorp); PubMed 27106217 (cited by Women's Health and Genetics/Laboratory Corporation of America, LabCorp).

NM_000642.3(AGL):c.3554del (p.Thr1185fs)

Gene: AGL (amylo-alpha-1,6-glucosidase and 4-alpha-glucanotransferase; plus strand). Cytogenetic location: 1p21.2.
Variant type: Deletion.
Coding change: c.3554del on transcript NM_000642.3 (MANE Select); coding-DNA position 3554, one base deleted (C; older notation c.3554delC).
Protein change: p.Thr1185fs; shifts the reading frame from threonine 1185.
Molecular consequence: frameshift variant.
Genome position (GRCh38, 1-based): chr1:99,900,827, C deleted. VCF-style (leftmost placement, unchanged base first): chr1-99900826-AC-A. GRCh37 (hg19) VCF-style: chr1-100366382-AC-A.
Other names: c.3554delC, p.Thr1185Lysfs (NM_000028.3, NM_000643.3, NM_000644.3 and 1 more transcripts); c.3506delC, p.Thr1169Lysfs (NM_000646.3); c.3533delC, p.Thr1178Lysfs (NM_001425326.1); c.3353delC, p.Thr1118Lysfs (NM_001425327.1); c.3350delC, p.Thr1117Lysfs (NM_001425328.1); c.3215delC, p.Thr1072Lysfs (NM_001425329.1); c.3176delC, p.Thr1059Lysfs (NM_001425332.1); short protein forms T1185fs, T1169fs.
Identifiers: ClinVar variation 370894 (VCV000370894.15), dbSNP rs764318570, ClinGen allele CA967098.
Genomic context (GRCh38, chr1:99,900,826, plus strand): 5'-TGTAAAATGGTTCCAAATGGTCTAGACATTCTCAAGTGCCCAGTTTCCAGAATGTATCCT[AC>A]AGATGATTCTGCTCCTTTGCCTGCTGGCACACTGGTAAAGATATTTCTTAAAATGTTTTT-3'